The following is an entry in ClinVar:

NM_015425.6(POLR1A):c.2780C>T (p.Pro927Leu)

Genes: POLR1A (RNA polymerase I subunit A; minus strand), LOC126806263 (BRD4-independent group 4 enhancer GRCh37_chr2:86272354-86273553; plus strand). Cytogenetic location: 2p11.2.
Variant type: single nucleotide variant.
Coding change: c.2780C>T on transcript NM_015425.6 (MANE Select); coding-DNA position 2780, C replaced by T.
Protein change: p.Pro927Leu; replaces proline 927 with leucine.
Molecular consequence: missense variant.
Genome position (GRCh38, 1-based): chr2:86,045,723, G>A on the plus strand (C>T on the coding strand, the complement: POLR1A is on the minus strand). VCF-style: chr2-86045723-G-A. GRCh37 (hg19) VCF-style: chr2-86272846-G-A.
Other names: short protein forms P927L.
Identifiers: ClinVar variation 2591820 (VCV002591820.5), dbSNP rs377398566, ClinGen allele CA1745954.

ClinVar aggregate classification (germline): Uncertain significance. Review status: criteria provided, multiple submitters, no conflicts (2 of 4 stars). 2 submissions from 2 submitters: Uncertain significance (2). Last evaluated 2025-09-01.

Conditions:
Inborn genetic diseases. Identifiers: MedGen C0950123, MeSH D030342.

Allele frequency attached by ClinVar (database versions not stated): gnomAD 0.00001; ESP Exome Variant Server 0.00008.
gnomAD v4.1: 46 of 1,609,856 alleles (0.0029%); highest among the groups gnomAD compares: South Asian, 0.0055%; no homozygotes.

Submissions (2):

Ambry Genetics
Classification: Uncertain significance for Inborn genetic diseases. Last evaluated: 2025-09-01. Review status: criteria provided, single submitter. Criteria: Ambry Variant Classification Scheme 2023. Collection method: clinical testing. Allele origin: germline.

Labcorp Genetics (formerly Invitae), Labcorp
Classification: Uncertain significance. Last evaluated: 2024-08-02. Review status: criteria provided, single submitter. Criteria: Invitae Variant Classification Sherloc (09022015). Collection method: clinical testing. Allele origin: germline.
Comment: This sequence change replaces proline, which is neutral and non-polar, with leucine, which is neutral and non-polar, at codon 927 of the POLR1A protein (p.Pro927Leu). This variant is present in population databases (rs377398566, gnomAD 0.007%). This variant has not been reported in the literature in individuals affected with POLR1A-related conditions. ClinVar contains an entry for this variant (Variation ID: 2591820). Advanced modeling of protein sequence and biophysical properties (such as structural, functional, and spatial information, amino acid conservation, physicochemical variation, residue mobility, and thermodynamic stability) performed at Invitae indicates that this missense variant is expected to disrupt POLR1A protein function with a positive predictive value of 80%. In summary, the available evidence is currently insufficient to determine the role of this variant in disease. Therefore, it has been classified as a Variant of Uncertain Significance.